The following is an entry in ClinVar:

NM_006031.6(PCNT):c.9030A>G (p.Lys3010=)

Gene: PCNT (pericentrin; plus strand). Cytogenetic location: 21q22.3.
Variant type: single nucleotide variant.
Coding change: c.9030A>G on transcript NM_006031.6 (MANE Select); coding-DNA position 9030, A replaced by G.
Protein change: p.Lys3010=; no amino-acid change (lysine 3010 retained).
Molecular consequence: synonymous variant.
Genome position (GRCh38, 1-based): chr21:46,437,012, A>G. VCF-style: chr21-46437012-A-G. GRCh37 (hg19) VCF-style: chr21-47856925-A-G.
Other names: c.8439A>G, p.Lys2813= (NM_001315529.2).
Identifiers: ClinVar variation 1336176 (VCV001336176.13), dbSNP rs138791485, ClinGen allele CA10081176.

ClinVar aggregate classification (germline): Likely benign. Review status: criteria provided, multiple submitters, no conflicts (2 of 4 stars). 3 submissions from 3 submitters: Likely benign (2). 1 of the submissions does not count toward it. Last evaluated 2023-11-21.

Conditions:
PCNT-related disorder. Also called: PCNT-related condition.

Allele frequency attached by ClinVar (database versions not stated): gnomAD exomes 0.00001 and 0.00003; ExAC 0.00002; gnomAD 0.00011 and 0.00012; ESP Exome Variant Server 0.00015; TOPMed 0.00016.
gnomAD v4.1: 26 of 1,613,972 alleles (0.0016%); highest among the groups gnomAD compares: African/African-American, 0.031%; no homozygotes.

Submissions (3):

Labcorp Genetics (formerly Invitae), Labcorp
Classification: Likely benign. Last evaluated: 2023-11-21. Review status: criteria provided, single submitter. Criteria: Invitae Variant Classification Sherloc (09022015). Collection method: clinical testing. Allele origin: germline.

Genetic Services Laboratory, University of Chicago
Classification: Likely benign. Last evaluated: 2019-07-03. Review status: criteria provided, single submitter. Criteria: ACMG Guidelines, 2015. Collection method: clinical testing. Allele origin: germline. Affected: no.

PreventionGenetics, part of Exact Sciences
Classification: Likely benign for PCNT-related condition. Last evaluated: 2021-07-26. Review status: no assertion criteria provided. Collection method: clinical testing. Allele origin: germline. Not counted in ClinVar's aggregate classification.
Comment: This variant is classified as likely benign based on ACMG/AMP sequence variant interpretation guidelines (Richards et al. 2015 PMID: 25741868, with internal and published modifications).